The following is an entry in ClinVar:

NM_004086.3(COCH):c.731C>T (p.Thr244Ile)

Genes: COCH (cochlin; plus strand), COCH-AS1 (COCH antisense RNA 1; minus strand). Cytogenetic location: 14q12.
Variant type: single nucleotide variant.
Coding change: c.731C>T on transcript NM_004086.3 (MANE Select); coding-DNA position 731, C replaced by T.
Protein change: p.Thr244Ile; replaces threonine 244 with isoleucine.
Molecular consequence: missense variant. On other transcripts: non-coding transcript variant (1).
Genome position (GRCh38, 1-based): chr14:30,884,654, C>T. VCF-style: chr14-30884654-C-T. GRCh37 (hg19) VCF-style: chr14-31353860-C-T.
Other names: c.731C>T, p.Thr244Ile (NM_001135058.2); c.926C>T, p.Thr309Ile (NM_001347720.2); short protein forms T244I, T309I.
Identifiers: ClinVar variation 1064939 (VCV001064939.3), dbSNP rs750832640, ClinGen allele CA7143130.

ClinVar aggregate classification (germline): Uncertain significance (1 of 4 stars; one submission).

Conditions:
Usher syndrome. Also called: Usher Syndromes; Usher's syndrome. Identifiers: Orphanet 886, MedGen CN469326, MeSH D052245, MONDO:0019501. Disease mechanism: loss of function.

Allele frequency attached by ClinVar (database versions not stated): gnomAD exomes below 0.00001; ExAC 0.00001.

Submission:

Department of Otolaryngology – Head & Neck Surgery, Cochlear Implant Center
Classification: Uncertain significance for Usher syndrome. Last evaluated: 2021-04-12. Review status: criteria provided, single submitter. Criteria: ClinGen HL ACMG Specifications v1. Collection method: clinical testing. Allele origin: germline. Affected: yes.
Comment: PM2_Moderate, PP3_Supporting